The following is an entry in ClinVar:

ClinVar aggregate classification (germline): Benign (0 of 4 stars; one submission).

Conditions:
RANBP17-related disorder. Also called: RANBP17-related condition.

Allele frequency attached by ClinVar (database versions not stated): gnomAD exomes 0.04661; ExAC 0.06600; gnomAD 0.08282; TOPMed 0.08731; ESP Exome Variant Server 0.09059; 1000 Genomes Project 0.09764; 1000 Genomes Project 30x 0.09806.
gnomAD v4.1: 78,740 of 1,564,148 alleles (5%); highest among the groups gnomAD compares: African/African-American, 17%; 2,871 homozygotes.

Submission:

PreventionGenetics, part of Exact Sciences
Classification: Benign for RANBP17-related condition. Last evaluated: 2019-11-11. Review status: no assertion criteria provided. Collection method: clinical testing. Allele origin: germline.
Comment: This variant is classified as benign based on ACMG/AMP sequence variant interpretation guidelines (Richards et al. 2015 PMID: 25741868, with internal and published modifications).

NM_022897.5(RANBP17):c.1767G>A (p.Glu589=)

Gene: RANBP17 (RAN binding protein 17; plus strand). Cytogenetic location: 5q35.1.
Variant type: single nucleotide variant.
Coding change: c.1767G>A on transcript NM_022897.5 (MANE Select); coding-DNA position 1767, G replaced by A.
Protein change: p.Glu589=; no amino-acid change (glutamic acid 589 retained).
Molecular consequence: synonymous variant.
Genome position (GRCh38, 1-based): chr5:171,170,186, G>A. VCF-style: chr5-171170186-G-A. GRCh37 (hg19) VCF-style: chr5-170597190-G-A.
Identifiers: ClinVar variation 3055722 (VCV003055722.2), dbSNP rs36104512, ClinGen allele CA3557600.